The following is an entry in ClinVar:

NM_000702.4(ATP1A2):c.1652-3T>C

Gene: ATP1A2 (ATPase Na+/K+ transporting subunit alpha 2; plus strand). Cytogenetic location: 1q23.2.
Variant type: single nucleotide variant.
Coding change: c.1652-3T>C on transcript NM_000702.4 (MANE Select); 3 bases into the intron before coding-DNA position 1652, T replaced by C.
Molecular consequence: intron variant.
Genome position (GRCh38, 1-based): chr1:160,130,419, T>C. VCF-style: chr1-160130419-T-C. GRCh37 (hg19) VCF-style: chr1-160100209-T-C.
Identifiers: ClinVar variation 529753 (VCV000529753.8), dbSNP rs1553245152, ClinGen allele CA658795550.

ClinVar aggregate classification (germline): Uncertain significance (1 of 4 stars; one submission).

Conditions:
Familial hemiplegic migraine. Identifiers: MedGen C0338484, MONDO:0000700.

Submission:

Labcorp Genetics (formerly Invitae), Labcorp
Classification: Uncertain significance for Familial hemiplegic migraine. Last evaluated: 2017-09-18. Review status: criteria provided, single submitter. Criteria: Invitae Variant Classification Sherloc (09022015). Collection method: clinical testing. Allele origin: germline.
Comment: In summary, the available evidence is currently insufficient to determine the role of this variant in disease. Therefore, it has been classified as a Variant of Uncertain Significance. Nucleotide substitutions within the consensus splice site are a relatively common cause of aberrant splicing (PMID: 17576681, 9536098). Algorithms developed to predict the effect of sequence changes on RNA splicing suggest that this variant is not likely to affect RNA splicing, but this prediction has not been confirmed by published transcriptional studies. This variant has not been reported in the literature in individuals with ATP1A2-related disease. This variant is not present in population databases (ExAC no frequency). This sequence change falls in intron 12 of the ATP1A2 gene. It does not directly change the encoded amino acid sequence of the ATP1A2 protein, but it affects a nucleotide within the consensus splice site of the intron.

Literature cited by the submitters: PubMed 17576681; PubMed 9536098.